The following is an entry in ClinVar:

NM_000487.6(ARSA):c.465G>T (p.Gln155His)

Gene: ARSA (arylsulfatase A; minus strand). Cytogenetic location: 22q13.33.
Variant type: single nucleotide variant.
Coding change: c.465G>T on transcript NM_000487.6 (MANE Select); coding-DNA position 465, G replaced by T.
Protein change: p.Gln155His; replaces glutamine 155 with histidine.
Molecular consequence: missense variant.
Genome position (GRCh38, 1-based): chr22:50,627,166, C>A on the plus strand (G>T on the coding strand, the complement: ARSA is on the minus strand). VCF-style: chr22-50627166-C-A. GRCh37 (hg19) VCF-style: chr22-51065594-C-A.
Other names: NP_000478.3:p.(Gln155His); c.465G>T, p.Gln155His (NM_001085425.3, NM_001085426.3, NM_001085427.3); c.207G>T, p.Gln69His (NM_001085428.3, NM_001362782.2); short protein forms Q155H, Q69H.
Identifiers: ClinVar variation 4850926 (VCV004850926.2), dbSNP rs199476377.

ClinVar aggregate classification (germline): Uncertain significance (1 of 4 stars; one submission).

Conditions:
Metachromatic leukodystrophy (MLD). Also called: ARSA DEFICIENCY; CEREBROSIDE SULFATASE DEFICIENCY; METACHROMATIC LEUKOENCEPHALOPATHY; Cerebral sclerosis diffuse metachromatic form; Arylsulfatase A Deficiency; SULFATIDE LIPIDOSIS. Identifiers: Orphanet 512, MedGen C0023522, MONDO:0018868, OMIM 250100.

Submission:

Laboratory of Experimental Gene Therapy of Hereditary Metabolic Diseases, Research Centre for Medical Genetics
Classification: Uncertain significance for Metachromatic leukodystrophy. Last evaluated: 2026-09-17. Review status: criteria provided, single submitter. Criteria: ARSA MLD Assertion Criteria V2 2026 09 18. Collection method: clinical testing. Allele origin: germline. Inheritance: Autosomal recessive inheritance. Observed: 5 variant alleles, 2 heterozygotes, 3 compound heterozygotes.
Comment: Reassessed under ACMG/AMP 2015 with ClinGen SVI refinements and a Bayesian point framework (supporting=1, moderate=2, strong=4, very strong=8; 6-9 points=likely pathogenic; >=10 points=pathogenic). Final score: 2. Evidence applied: PM2_Supporting, PP3_Supporting. Observations from the present referral series were excluded from classification.